The following is an entry in ClinVar:

ClinVar aggregate classification (germline): Uncertain significance (1 of 4 stars; one submission).

Conditions:
Catecholaminergic polymorphic ventricular tachycardia (CVPT). Also called: Catecholamine-induced polymorphic ventricular tachycardia. Identifiers: Orphanet 3286, MedGen C5574922, MONDO:0017990.

Submission:

All of Us Research Program, National Institutes of Health
Classification: Uncertain significance for Catecholaminergic polymorphic ventricular tachycardia. Last evaluated: 2023-11-30. Review status: criteria provided, single submitter. Criteria: ACMG Guidelines, 2015. Collection method: clinical testing. Allele origin: germline. Inheritance: Autosomal dominant inheritance. Observed: 1 variant allele, 1 heterozygote.
Comment: This study involves interpretation of variants in research participants for the purpose of population health screening. Participant phenotype was not available at the time of variant classification. Additional details can be found in publication PMID: 35346344, PMCID: PMC8962531

NM_001035.3(RYR2):c.4870C>T (p.Pro1624Ser)

Gene: RYR2 (ryanodine receptor 2; plus strand). Cytogenetic location: 1q43.
Variant type: single nucleotide variant.
Coding change: c.4870C>T on transcript NM_001035.3 (MANE Select); coding-DNA position 4870, C replaced by T.
Protein change: p.Pro1624Ser; replaces proline 1624 with serine.
Molecular consequence: missense variant.
Genome position (GRCh38, 1-based): chr1:237,610,948, C>T. VCF-style: chr1-237610948-C-T. GRCh37 (hg19) VCF-style: chr1-237774248-C-T.
Other names: short protein forms P1624S.
Identifiers: ClinVar variation 3073901 (VCV003073901.1), dbSNP rs1192691860, ClinGen allele CA345402809.